The following is an entry in ClinVar:

NM_198173.3(GRHL3):c.790C>T (p.Arg264Trp)

Gene: GRHL3 (grainyhead like transcription factor 3; plus strand). Cytogenetic location: 1p36.11.
Variant type: single nucleotide variant.
Coding change: c.790C>T on transcript NM_198173.3 (MANE Select); coding-DNA position 790, C replaced by T.
Protein change: p.Arg264Trp; replaces arginine 264 with tryptophan.
Molecular consequence: missense variant.
Genome position (GRCh38, 1-based): chr1:24,337,739, C>T. VCF-style: chr1-24337739-C-T. GRCh37 (hg19) VCF-style: chr1-24664229-C-T.
Other names: c.652C>T, p.Arg218Trp (NM_001195010.2); c.805C>T, p.Arg269Trp (NM_021180.4); c.790C>T, p.Arg264Trp (NM_198174.3); short protein forms R218W, R269W, R264W.
Identifiers: ClinVar variation 2057464 (VCV002057464.5), dbSNP rs151096181, ClinGen allele CA689992.
Genomic context (GRCh38, chr1:24,337,739, plus strand): 5'-AAGTCAGGCGAGTCACCCATGGCCTACCTCAACAAAGGCCAGTTCTACCCCGTCACCCTG[C>T]GGACCCCAGCAGGTGGCAAAGGCCTTGCCTTGTCCTCCAACAAAGTCAAGGTGCGTTGGC-3'
Protein context (NP_937816.1, residues 254-274): NKGQFYPVTL[Arg264Trp]TPAGGKGLAL

ClinVar aggregate classification (germline): Uncertain significance. Review status: criteria provided, multiple submitters, no conflicts (2 of 4 stars). 2 submissions from 2 submitters: Uncertain significance (2). Last evaluated 2025-09-15.

Conditions:
Inborn genetic diseases. Identifiers: MedGen C0950123, MeSH D030342.
Van der Woude syndrome 2 (VWS2). Identifiers: Orphanet 888, MedGen C1847604, MONDO:0011712, OMIM 606713.

Allele frequency attached by ClinVar (database versions not stated): ESP Exome Variant Server 0.00008.
gnomAD v4.1: 48 of 1,614,106 alleles (0.003%); highest among the groups gnomAD compares: South Asian, 0.022%; 2 homozygotes.

Submissions (2):

Labcorp Genetics (formerly Invitae), Labcorp
Classification: Uncertain significance for Van der Woude syndrome 2. Last evaluated: 2025-09-15. Review status: criteria provided, single submitter. Criteria: Invitae Variant Classification Sherloc (09022015). Collection method: clinical testing. Allele origin: germline.
Comment: This sequence change replaces arginine, which is basic and polar, with tryptophan, which is neutral and slightly polar, at codon 264 of the GRHL3 protein (p.Arg264Trp). This variant is present in population databases (rs151096181, gnomAD 0.01%). This variant has not been reported in the literature in individuals affected with GRHL3-related conditions. This missense change has been observed in at least one individual who was not affected with GRHL3-related conditions (internal data). ClinVar contains an entry for this variant (Variation ID: 2057464). An algorithm developed to predict the effect of missense changes on protein structure and function (PolyPhen-2) suggests that this variant is likely to be disruptive. In summary, the available evidence is currently insufficient to determine the role of this variant in disease. Therefore, it has been classified as a Variant of Uncertain Significance.

Ambry Genetics
Classification: Uncertain significance for Inborn genetic diseases. Last evaluated: 2021-10-26. Review status: criteria provided, single submitter. Criteria: Ambry Variant Classification Scheme 2023. Collection method: clinical testing. Allele origin: germline.